The following is an entry in ClinVar:

ClinVar aggregate classification (germline): Uncertain significance. Review status: criteria provided, multiple submitters, no conflicts (2 of 4 stars). 2 submissions from 2 submitters: Uncertain significance (2). Last evaluated 2025-12-08.

Conditions:
TENM4-related disorder. Also called: TENM4-related condition.

Allele frequency attached by ClinVar (database versions not stated): TOPMed below 0.00001; gnomAD exomes 0.00002; ExAC 0.00003.
gnomAD v4.1: 26 of 1,613,198 alleles (0.0016%); highest among the groups gnomAD compares: East Asian, 0.0022%; no homozygotes.

Submissions (2):

PreventionGenetics, part of Exact Sciences
Classification: Uncertain significance for TENM4-related condition. Last evaluated: 2025-12-08. Review status: criteria provided, single submitter. Criteria: ACMG Guidelines, 2015. Collection method: clinical testing. Allele origin: germline.
Comment: The TENM4 c.8099G>A variant is predicted to result in the amino acid substitution p.Arg2700His. To our knowledge, this variant has not been reported in the literature. This variant is reported in 0.0036% of alleles in individuals of European (Non-Finnish) descent in gnomAD. At this time, the clinical significance of this variant is uncertain due to the absence of conclusive functional and genetic evidence.

Ambry Genetics
Classification: Uncertain significance. Last evaluated: 2023-12-13. Review status: criteria provided, single submitter. Criteria: Ambry Variant Classification Scheme 2023. Collection method: clinical testing. Allele origin: germline.

NM_001098816.3(TENM4):c.8099G>A (p.Arg2700His)

Gene: TENM4 (teneurin transmembrane protein 4; minus strand). Cytogenetic location: 11q14.1.
Variant type: single nucleotide variant.
Coding change: c.8099G>A on transcript NM_001098816.3 (MANE Select); coding-DNA position 8099, G replaced by A.
Protein change: p.Arg2700His; replaces arginine 2700 with histidine.
Molecular consequence: missense variant.
Genome position (GRCh38, 1-based): chr11:78,658,269, C>T on the plus strand (G>A on the coding strand, the complement: TENM4 is on the minus strand). VCF-style: chr11-78658269-C-T. GRCh37 (hg19) VCF-style: chr11-78369314-C-T.
Other names: short protein forms R2700H.
Identifiers: ClinVar variation 3175968 (VCV003175968.2), dbSNP rs762798194, ClinGen allele CA6206086.
Genomic context (GRCh38, chr11:78,658,269, plus strand): 5'-CAGGCCCGCAGGCCTTCCTCCCCTTCCCGCAGTCTCTGCTGCTCGCGGGCCCACGCTTGG[C>T]GCACGGCTCTCTGCCGGGCCAGCTCCAGGACCCGTGCCTTCTCCTCATCCAACGTTGTCC-3'
Protein context (NP_001092286.2, residues 2690-2710): VLELARQRAV[Arg2700His]QAWAREQQRL